The following is an entry in ClinVar:

NM_004415.4(DSP):c.3178C>A (p.Gln1060Lys)

Gene: DSP (desmoplakin; plus strand). Cytogenetic location: 6p24.3.
Variant type: single nucleotide variant.
Coding change: c.3178C>A on transcript NM_004415.4 (MANE Select); coding-DNA position 3178, C replaced by A.
Protein change: p.Gln1060Lys; replaces glutamine 1060 with lysine.
Molecular consequence: missense variant.
Genome position (GRCh38, 1-based): chr6:7,579,368, C>A. VCF-style: chr6-7579368-C-A. GRCh37 (hg19) VCF-style: chr6-7579601-C-A.
Other names: c.3178C>A, p.Gln1060Lys (NM_001008844.3, NM_001319034.2); short protein forms Q1060K.
Identifiers: ClinVar variation 3759367 (VCV003759367.3).

ClinVar aggregate classification (germline): Uncertain significance. Review status: criteria provided, multiple submitters, no conflicts (2 of 4 stars). 2 submissions from 2 submitters: Uncertain significance (2). Last evaluated 2024-10-05.

Conditions:
Arrhythmogenic cardiomyopathy with wooly hair and keratoderma. Also called: PALMOPLANTAR KERATODERMA WITH LEFT VENTRICULAR CARDIOMYOPATHY AND WOOLLY HAIR; Dilated cardiomyopathy with woolly hair and keratoderma; Carvajal syndrome; Arrhythmogenic cardiomyopathy with woolly hair and keratoderma. Identifiers: Orphanet 65282, MedGen C1854063, MONDO:0011581, OMIM 605676.
Arrhythmogenic right ventricular dysplasia 8 (ARVD8). Also called: ARRHYTHMOGENIC RIGHT VENTRICULAR DYSPLASIA, FAMILIAL, 8; Arrhythmogenic Right Ventricular Dysplasia/Cardiomyopathy 8; ARRHYTHMOGENIC RIGHT VENTRICULAR CARDIOMYOPATHY 8. Identifiers: MedGen C1843896, MONDO:0011831, OMIM 607450.

Submissions (2):

Labcorp Genetics (formerly Invitae), Labcorp
Classification: Uncertain significance for Arrhythmogenic cardiomyopathy with wooly hair and keratoderma; Arrhythmogenic right ventricular dysplasia 8. Last evaluated: 2024-10-05. Review status: criteria provided, single submitter. Criteria: Invitae Variant Classification Sherloc (09022015). Collection method: clinical testing. Allele origin: germline.
Comment: This sequence change replaces glutamine, which is neutral and polar, with lysine, which is basic and polar, at codon 1060 of the DSP protein (p.Gln1060Lys). This variant is not present in population databases (gnomAD no frequency). This variant has not been reported in the literature in individuals affected with DSP-related conditions. An algorithm developed to predict the effect of missense changes on protein structure and function (PolyPhen-2) suggests that this variant is likely to be disruptive. In summary, the available evidence is currently insufficient to determine the role of this variant in disease. Therefore, it has been classified as a Variant of Uncertain Significance.

Blueprint Genetics
Classification: Uncertain significance. Last evaluated: 2020-11-10. Review status: criteria provided, single submitter. Criteria: ACMG Guidelines, 2015. Collection method: clinical testing. Allele origin: germline.